The following is an entry in ClinVar:

ClinVar aggregate classification (germline): Uncertain significance. Review status: criteria provided, multiple submitters, no conflicts (2 of 4 stars). 2 submissions from 2 submitters: Uncertain significance (2). Last evaluated 2022-02-05.

Conditions:
Transcobalamin II deficiency (TCN2D). Also called: TC II DEFICIENCY; TCN2 DEFICIENCY; Transcolabamin II deficiency. Identifiers: Orphanet 859, MedGen C0342701, MONDO:0010149, OMIM 275350.

Allele frequency attached by ClinVar (database versions not stated): gnomAD 0.00001 and 0.00002; gnomAD exomes 0.00001 and 0.00002; ExAC 0.00002; TOPMed 0.00002; ESP Exome Variant Server 0.00015.
gnomAD v4.1: 13 of 1,614,106 alleles (0.00081%); highest among the groups gnomAD compares: Non-Finnish European, 0.001%; no homozygotes.

Submissions (2):

Labcorp Genetics (formerly Invitae), Labcorp
Classification: Uncertain significance for Transcobalamin II deficiency. Last evaluated: 2022-02-05. Review status: criteria provided, single submitter. Criteria: Invitae Variant Classification Sherloc (09022015). Collection method: clinical testing. Allele origin: germline.
Comment: This sequence change replaces leucine, which is neutral and non-polar, with phenylalanine, which is neutral and non-polar, at codon 287 of the TCN2 protein (p.Leu287Phe). This variant is present in population databases (rs369458782, gnomAD 0.004%). This variant has not been reported in the literature in individuals affected with TCN2-related conditions. ClinVar contains an entry for this variant (Variation ID: 862566). Algorithms developed to predict the effect of missense changes on protein structure and function are either unavailable or do not agree on the potential impact of this missense change (SIFT: "Tolerated"; PolyPhen-2: "Possibly Damaging"; Align-GVGD: "Class C0"). In summary, the available evidence is currently insufficient to determine the role of this variant in disease. Therefore, it has been classified as a Variant of Uncertain Significance.

Fulgent Genetics
Classification: Uncertain significance for Transcobalamin II deficiency. Last evaluated: 2021-10-05. Review status: criteria provided, single submitter. Criteria: ACMG Guidelines, 2015. Collection method: clinical testing. Allele origin: unknown.

NM_000355.4(TCN2):c.859C>T (p.Leu287Phe)

Gene: TCN2 (transcobalamin 2; plus strand). Cytogenetic location: 22q12.2.
Variant type: single nucleotide variant.
Coding change: c.859C>T on transcript NM_000355.4 (MANE Select); coding-DNA position 859, C replaced by T.
Protein change: p.Leu287Phe; replaces leucine 287 with phenylalanine.
Molecular consequence: missense variant.
Genome position (GRCh38, 1-based): chr22:30,615,706, C>T. VCF-style: chr22-30615706-C-T. GRCh37 (hg19) VCF-style: chr22-31011693-C-T.
Other names: c.778C>T, p.Leu260Phe (NM_001184726.2); short protein forms L287F, L260F.
Identifiers: ClinVar variation 862566 (VCV000862566.8), dbSNP rs369458782, ClinGen allele CA10184862.
Genomic context (GRCh38, chr22:30,615,706, plus strand): 5'-TGTCTCAAGGCGAGGGTTGCTTTGCTGGCCAGTCTGCAGGATGGAGCCTTCCAGAATGCT[C>T]TCATGATTTCCCAGCTGCTGCCCGTTCTGAACCACAAGACCTACATTGATCTGATCTTCC-3'
Protein context (NP_000346.2, residues 277-297): SLQDGAFQNA[Leu287Phe]MISQLLPVLN